The following is an entry in ClinVar:

NM_025114.4(CEP290):c.6254A>T (p.Asp2085Val)

Gene: CEP290 (centrosomal protein 290; minus strand). Cytogenetic location: 12q21.32.
Variant type: single nucleotide variant.
Coding change: c.6254A>T on transcript NM_025114.4 (MANE Select); coding-DNA position 6254, A replaced by T.
Protein change: p.Asp2085Val; replaces aspartic acid 2085 with valine.
Molecular consequence: missense variant.
Genome position (GRCh38, 1-based): chr12:88,063,997, T>A on the plus strand (A>T on the coding strand, the complement: CEP290 is on the minus strand). VCF-style: chr12-88063997-T-A. GRCh37 (hg19) VCF-style: chr12-88457774-T-A.
Other names: short protein forms D2085V.
Identifiers: ClinVar variation 1465567 (VCV001465567.5), dbSNP rs774510171, ClinGen allele CA385979563.

ClinVar aggregate classification (germline): Uncertain significance (1 of 4 stars; one submission).

Conditions:
Nephronophthisis. Also called: Juvenile Nephronophthisis. Identifiers: Orphanet 655, MedGen C0687120, MONDO:0019005, HP:0000090.
Meckel-Gruber syndrome. Also called: DYSENCEPHALIA SPLANCHNOCYSTICA; GRUBER SYNDROME; Dysencephalia splachnocystica. Identifiers: Orphanet 564, MedGen C0265215, MONDO:0018921.
Joubert syndrome. Also called: CEREBELLOPARENCHYMAL DISORDER IV; JOUBERT-BOLTSHAUSER SYNDROME; Familial aplasia of the vermis. Identifiers: Orphanet 475, MedGen C5979921, MONDO:0018772.

Submission:

Labcorp Genetics (formerly Invitae), Labcorp
Classification: Uncertain significance for Joubert syndrome; Meckel-Gruber syndrome; Nephronophthisis. Last evaluated: 2021-09-01. Review status: criteria provided, single submitter. Criteria: Invitae Variant Classification Sherloc (09022015). Collection method: clinical testing. Allele origin: germline.
Comment: This sequence change replaces aspartic acid with valine at codon 2085 of the CEP290 protein (p.Asp2085Val). The aspartic acid residue is highly conserved and there is a large physicochemical difference between aspartic acid and valine. This variant is not present in population databases (ExAC no frequency). This variant has not been reported in the literature in individuals affected with CEP290-related conditions. Algorithms developed to predict the effect of missense changes on protein structure and function are either unavailable or do not agree on the potential impact of this missense change (SIFT: "Deleterious"; PolyPhen-2: "Probably Damaging"; Align-GVGD: "Class C15"). In summary, the available evidence is currently insufficient to determine the role of this variant in disease. Therefore, it has been classified as a Variant of Uncertain Significance.